The following is an entry in ClinVar:

ClinVar aggregate classification (germline): Conflicting classifications of pathogenicity. Review status: criteria provided, conflicting classifications (1 of 4 stars). 4 submissions from 4 submitters: Uncertain significance (1); Likely benign (2). 1 of the submissions does not count toward it. Last evaluated 2026-01-25.

Conditions:
TTC7A-related disorder. Also called: TTC7A-related condition.
Multiple gastrointestinal atresias. Also called: FAMILIAL INTESTINAL POLYATRESIA SYNDROME; Multiple intestinal atresia. Identifiers: Orphanet 2300, MedGen C0220744, MONDO:0009465.

Allele frequency attached by ClinVar (database versions not stated): gnomAD exomes 0.00017 and 0.00038; ExAC 0.00042; 1000 Genomes Project 0.00080; 1000 Genomes Project 30x 0.00109; ESP Exome Variant Server 0.00123; gnomAD 0.00150 and 0.00167; TOPMed 0.00155.
gnomAD v4.1: 483 of 1,614,092 alleles (0.03%); highest among the groups gnomAD compares: African/African-American, 0.52%; no homozygotes.

Submissions (4):

Labcorp Genetics (formerly Invitae), Labcorp
Classification: Likely benign for Multiple gastrointestinal atresias. Last evaluated: 2026-01-25. Review status: criteria provided, single submitter. Criteria: Invitae Variant Classification Sherloc (09022015). Collection method: clinical testing. Allele origin: germline.

Blueprint Genetics
Classification: Uncertain significance. Last evaluated: 2024-11-23. Review status: criteria provided, single submitter. Criteria: ACMG Guidelines, 2015. Collection method: clinical testing. Allele origin: germline.

Breakthrough Genomics
Classification: Likely benign. Review status: criteria provided, single submitter. Criteria: ACMG Guidelines, 2015. Collection method: not provided. Allele origin: germline. Inheritance: Autosomal recessive inheritance. Affected: yes.

PreventionGenetics, part of Exact Sciences
Classification: Likely benign for TTC7A-related condition. Last evaluated: 2023-05-22. Review status: no assertion criteria provided. Collection method: clinical testing. Allele origin: germline. Not counted in ClinVar's aggregate classification.
Comment: This variant is classified as likely benign based on ACMG/AMP sequence variant interpretation guidelines (Richards et al. 2015 PMID: 25741868, with internal and published modifications).

NM_020458.4(TTC7A):c.1543C>T (p.Arg515Trp)

Gene: TTC7A (tetratricopeptide repeat domain 7A; plus strand). Cytogenetic location: 2p21.
Variant type: single nucleotide variant.
Coding change: c.1543C>T on transcript NM_020458.4 (MANE Select); coding-DNA position 1543, C replaced by T.
Protein change: p.Arg515Trp; replaces arginine 515 with tryptophan.
Molecular consequence: missense variant.
Genome position (GRCh38, 1-based): chr2:47,023,440, C>T. VCF-style: chr2-47023440-C-T. GRCh37 (hg19) VCF-style: chr2-47250579-C-T.
Other names: c.1543C>T, p.Arg515Trp (NM_001288951.2); c.1441C>T, p.Arg481Trp (NM_001288953.2); c.481C>T, p.Arg161Trp (NM_001288955.2); short protein forms R161W, R481W, R515W.
Identifiers: ClinVar variation 785633 (VCV000785633.15), dbSNP rs144064667, ClinGen allele CA1647723.